The following is an entry in ClinVar:

NM_000155.3(GALT):c.-1004dupT

Gene: GALT (galactose-1-phosphate uridylyltransferase; plus strand). Cytogenetic location: 9p13.3.
Variant type: Duplication.
Coding change: c.-1004dupT on transcript NM_000155.3; 1004 bases upstream of the start codon, one base duplicated (T).
Genome position (GRCh38, 1-based): chr9:34,645,701, T duplicated; the last of 16 consecutive T bases (chr9:34,645,686-34,645,701); duplicating any one gives the same sequence. VCF-style (leftmost placement, unchanged base first): chr9-34645685-C-CT. GRCh37 (hg19) VCF-style: chr9-34645682-C-CT.
Identifiers: ClinVar variation 1331423 (VCV001331423.3), dbSNP rs201344398, ClinGen allele CA192666476.

ClinVar aggregate classification (germline): Benign (1 of 4 stars; one submission).

Submission:

Women's Health and Genetics/Laboratory Corporation of America, LabCorp
Classification: Benign. Last evaluated: 2021-12-16. Review status: criteria provided, single submitter. Criteria: LabCorp Variant Classification Summary - May 2015. Collection method: clinical testing. Allele origin: germline.
Comment: Variant summary: GALT c.-1004dupT is located in the untranscribed region upstream of the GALT gene. The variant allele was found at a frequency of 0.1 in 23774 control chromosomes in the gnomAD database, including 156 homozygotes. The observed variant frequency is approximately 36-fold of the estimated maximal expected allele frequency for a pathogenic variant in GALT causing Galactosemia phenotype (0.0029), strongly suggesting that the variant is benign. To our knowledge, no occurrence of c.-1004dupT in individuals affected with Galactosemia and no experimental evidence demonstrating its impact on protein function have been reported. No clinical diagnostic laboratories have submitted clinical-significance assessments for this variant to ClinVar after 2014. Based on the evidence outlined above, the variant was classified as benign.